The following is an entry in ClinVar:

NM_005090.4(JMJD7-PLA2G4B):c.1816G>T (p.Ala606Ser)

Genes: JMJD7-PLA2G4B (JMJD7-PLA2G4B readthrough; plus strand), PLA2G4B (phospholipase A2 group IVB; plus strand). Cytogenetic location: 15q15.1.
Variant type: single nucleotide variant.
Coding change: c.1816G>T on transcript NM_005090.4; coding-DNA position 1816, G replaced by T.
Protein change: p.Ala606Ser; replaces alanine 606 with serine.
Molecular consequence: missense variant.
Genome position (GRCh38, 1-based): chr15:41,844,954, G>T. VCF-style: chr15-41844954-G-T. GRCh37 (hg19) VCF-style: chr15-42137152-G-T.
Other names: c.1123G>T, p.Ala375Ser (NM_001114633.2); c.1816G>T, p.Ala606Ser (NM_001198588.2); short protein forms A375S, A606S.
Identifiers: ClinVar variation 3047557 (VCV003047557.2), dbSNP rs143271505, ClinGen allele CA7499939.

ClinVar aggregate classification (germline): Likely benign (0 of 4 stars; one submission).

Conditions:
JMJD7-PLA2G4B-related disorder. Also called: JMJD7-PLA2G4B-related condition.

Allele frequency attached by ClinVar (database versions not stated): gnomAD exomes 0.00005; ExAC 0.00035; gnomAD 0.00086; TOPMed 0.00094; 1000 Genomes Project 0.00100; ESP Exome Variant Server 0.00108; 1000 Genomes Project 30x 0.00109.
gnomAD v4.1: 213 of 1,611,782 alleles (0.013%); highest among the groups gnomAD compares: African/African-American, 0.25%; no homozygotes.

Submission:

PreventionGenetics, part of Exact Sciences
Classification: Likely benign for JMJD7-PLA2G4B-related condition. Last evaluated: 2023-04-05. Review status: no assertion criteria provided. Collection method: clinical testing. Allele origin: germline.
Comment: This variant is classified as likely benign based on ACMG/AMP sequence variant interpretation guidelines (Richards et al. 2015 PMID: 25741868, with internal and published modifications).